The following is an entry in ClinVar:

NM_002485.5(NBN):c.2071-1G>C

Gene: NBN (nibrin; minus strand). Cytogenetic location: 8q21.3.
Variant type: single nucleotide variant.
Coding change: c.2071-1G>C on transcript NM_002485.5 (MANE Select); the canonical splice acceptor site of the intron before coding-DNA position 2071, G replaced by C.
Molecular consequence: splice acceptor variant.
Genome position (GRCh38, 1-based): chr8:89,943,367, C>G on the plus strand (G>C on the coding strand, the complement: NBN is on the minus strand). VCF-style: chr8-89943367-C-G. GRCh37 (hg19) VCF-style: chr8-90955595-C-G.
Other names: c.1825-1G>C (NM_001024688.3).
Identifiers: ClinVar variation 185152 (VCV000185152.57), dbSNP rs786201965, ClinGen allele CA191166.

ClinVar aggregate classification (germline): Conflicting classifications of pathogenicity. Review status: criteria provided, conflicting classifications (1 of 4 stars). 9 submissions from 9 submitters: Likely pathogenic (6); Uncertain significance (1). 2 of the submissions do not count toward it. Last evaluated 2025-11-25.

Conditions:
Aplastic anemia. Identifiers: Orphanet 182040, Orphanet 88, MedGen C0002874, MONDO:0015909, OMIM 609135, HP:0001915.
Microcephaly, normal intelligence and immunodeficiency (NBS). Also called: Nijmegen breakage syndrome; Microcephaly with normal intelligence immunodeficiency and lymphoreticular malignancies; Nonsyndromal microcephaly autosomal recessive with normal intelligence; Seemanova syndrome 2; IMMUNODEFICIENCY, MICROCEPHALY, AND CHROMOSOMAL INSTABILITY; Immunodeficiency, microcephaly with normal intelligence. Identifiers: Orphanet 647, MedGen C0398791, MONDO:0009623, OMIM 251260.
Acute lymphoid leukemia (ALL). Also called: Leukemia, acute lymphoblastic, somatic; Lymphoblastic leukemia; Acute lymphoblastic leukemia; Acute lymphocytic leukemia. Identifiers: Orphanet 513, MedGen C0023449, MONDO:0004967, OMIM 613065, HP:0006721.
Hereditary cancer-predisposing syndrome. Also called: Tumor predisposition; Neoplastic Syndromes, Hereditary; Hereditary Cancer Syndrome; Hereditary neoplastic syndrome. Identifiers: Orphanet 140162, MedGen C0027672, MeSH D009386, MONDO:0015356.

gnomAD v4.1: 2 of 1,600,664 alleles (0.00012%); highest among the groups gnomAD compares: Non-Finnish European, 0.000086%; no homozygotes.

Submissions (9):

Labcorp Genetics (formerly Invitae), Labcorp
Classification: Likely pathogenic for Microcephaly, normal intelligence and immunodeficiency. Last evaluated: 2025-11-25. Review status: criteria provided, single submitter. Criteria: Invitae Variant Classification Sherloc (09022015). Collection method: clinical testing. Allele origin: germline.
Comment: This sequence change affects an acceptor splice site in intron 13 of the NBN gene. RNA analysis indicates that disruption of this splice site induces altered splicing and likely results in a shortened protein product. This variant is not present in population databases (gnomAD no frequency). This variant has not been reported in the literature in individuals affected with NBN-related conditions. ClinVar contains an entry for this variant (Variation ID: 185152). Studies have shown that disruption of this splice site results in skipping of exon 14, but is expected to preserve the integrity of the reading-frame (internal data). In summary, the currently available evidence indicates that the variant is pathogenic, but additional data are needed to prove that conclusively. Therefore, this variant has been classified as Likely Pathogenic.

GeneDx
Classification: Likely pathogenic. Last evaluated: 2024-05-21. Review status: criteria provided, single submitter. Criteria: GeneDx Variant Classification Process June 2021. Collection method: clinical testing. Allele origin: germline. Affected: yes.
Comment: Canonical splice site variant predicted to result in an in-frame loss of the adjacent exon in a gene for which loss of function is a known mechanism of disease; Not observed at significant frequency in large population cohorts (gnomAD); This variant is associated with the following publications: (PMID: 28152038, 24894818, 33471991, 26315354)

Quest Diagnostics Nichols Institute San Juan Capistrano
Classification: Uncertain significance. Last evaluated: 2024-05-10. Review status: criteria provided, single submitter. Criteria: Quest Diagnostics criteria. Collection method: clinical testing. Allele origin: unknown.
Comment: The NBN c.2071-1G>C variant disrupts a canonical splice-acceptor site and is predicted to interfere with normal NBN mRNA splicing. This variant has been reported in the published literature in individuals with breast cancer and reportedly healthy individuals (PMIDs: 33471991 (2021), 26315354 (2015), see also LOVD). This variant has not been reported in large, multi-ethnic general populations (Genome Aggregation Database). Based on the available information, we are unable to determine the clinical significance of this variant.

Fulgent Genetics
Classification: Likely pathogenic for Microcephaly, normal intelligence and immunodeficiency; Aplastic anemia; Acute lymphoid leukemia. Last evaluated: 2024-04-06. Review status: criteria provided, single submitter. Criteria: ACMG Guidelines, 2015. Collection method: clinical testing. Allele origin: germline.

CeGaT Center for Human Genetics Tuebingen
Classification: Likely pathogenic. Last evaluated: 2024-01-01. Review status: criteria provided, single submitter. Criteria: CeGaT Center For Human Genetics Tuebingen Variant Classification Criteria Version 2. Collection method: clinical testing. Allele origin: germline. Affected: yes. Observed: 3 variant alleles.
Comment: NBN: PVS1:Strong, PM2

Baylor Genetics
Classification: Likely pathogenic for Aplastic anemia. Last evaluated: 2023-12-20. Review status: criteria provided, single submitter. Criteria: ACMG Guidelines, 2015. Collection method: clinical testing. Allele origin: unknown.

Ambry Genetics
Classification: Likely pathogenic for Hereditary cancer-predisposing syndrome. Last evaluated: 2023-04-28. Review status: criteria provided, single submitter. Criteria: Ambry Variant Classification Scheme 2023. Collection method: clinical testing. Allele origin: germline.
Comment: The c.2071-1G>C intronic variant results from a G to C substitution one nucleotide upstream from coding exon 14 of the NBN gene. This alteration was identified in an individual who underwent hereditary cancer multi-gene panel testing (LaDuca H et al. PLoS ONE, 2017 Feb;12:e0170843). This alteration was also observed in 0/3,236 cases with invasive epithelial ovarian cancer and 1/3,431 controls (Ramus SJ et al. J. Natl. Cancer Inst., 2015 Nov;107). This variant was also reported in 2/60,466 breast cancer cases and in 3/53,461 controls (Dorling et al. N Engl J Med. 2021 02;384:428-439). This nucleotide position is highly conserved in available vertebrate species. In silico splice site analysis predicts that this alteration will weaken the native splice acceptor site. RNA studies have demonstrated that this alteration results in abnormal splicing in the set of samples tested (Ambry internal data). Alterations that disrupt the canonical splice site are expected to cause aberrant splicing, resulting in an abnormal protein or a transcript that is subject to nonsense-mediated mRNA decay. As such, this alteration is classified as likely pathogenic.

Natera, Inc.
Classification: Likely pathogenic for Nijmegen breakage syndrome. Last evaluated: 2020-07-31. Review status: no assertion criteria provided. Collection method: clinical testing. Allele origin: germline. Not counted in ClinVar's aggregate classification.

Counsyl
Classification: Likely pathogenic for Microcephaly, normal intelligence and immunodeficiency. Last evaluated: 2016-01-18. Review status: no assertion criteria provided. Collection method: clinical testing. Allele origin: unknown. Not counted in ClinVar's aggregate classification.

Literature cited by the submitters: PubMed 33471991 (cited by Quest Diagnostics Nichols Institute San Juan Capistrano and Ambry Genetics); PubMed 28152038 (cited by Quest Diagnostics Nichols Institute San Juan Capistrano and Ambry Genetics); PubMed 26315354 (cited by Quest Diagnostics Nichols Institute San Juan Capistrano and Ambry Genetics).